The following is an entry in ClinVar:

NM_005866.4(SIGMAR1):c.196C>T (p.Arg66Trp)

Gene: SIGMAR1 (sigma non-opioid intracellular receptor 1; minus strand). Cytogenetic location: 9p13.3.
Variant type: single nucleotide variant.
Coding change: c.196C>T on transcript NM_005866.4 (MANE Select); coding-DNA position 196, C replaced by T.
Protein change: p.Arg66Trp; replaces arginine 66 with tryptophan.
Molecular consequence: missense variant. On other transcripts: 5 prime UTR variant (1), non-coding transcript variant (1).
Genome position (GRCh38, 1-based): chr9:34,637,376, G>A on the plus strand (C>T on the coding strand, the complement: SIGMAR1 is on the minus strand). VCF-style: chr9-34637376-G-A. GRCh37 (hg19) VCF-style: chr9-34637373-G-A.
Other names: p.Arg66Trp; c.196C>T, p.Arg66Trp (NM_001282205.2, NM_001282208.2, NM_001282209.2 and 1 more transcripts); c.-58C>T (NM_001282206.2); c.136C>T, p.Arg46Trp (NM_001282207.2); short protein forms R46W, R66W.
Identifiers: ClinVar variation 3379857 (VCV003379857.1).

ClinVar aggregate classification (germline): Uncertain significance (1 of 4 stars; one submission).

gnomAD v4.1: 1 of 1,605,876 alleles (0.000062%); highest among the groups gnomAD compares: Non-Finnish European, 0.000085%; no homozygotes.

Submission:

Mayo Clinic Laboratories, Mayo Clinic
Classification: Uncertain significance. Last evaluated: 2023-02-06. Review status: criteria provided, single submitter. Criteria: ACMG Guidelines, 2015. Collection method: clinical testing. Allele origin: germline. Observed: 1 variant allele.
Comment: PM2_moderate